The following is an entry in ClinVar:

NM_007357.3(COG2):c.601G>A (p.Ala201Thr)

Gene: COG2 (component of oligomeric golgi complex 2; plus strand). Cytogenetic location: 1q42.2.
Variant type: single nucleotide variant.
Coding change: c.601G>A on transcript NM_007357.3 (MANE Select); coding-DNA position 601, G replaced by A.
Protein change: p.Ala201Thr; replaces alanine 201 with threonine.
Molecular consequence: missense variant.
Genome position (GRCh38, 1-based): chr1:230,669,362, G>A. VCF-style: chr1-230669362-G-A. GRCh37 (hg19) VCF-style: chr1-230805108-G-A.
Other names: c.601G>A, p.Ala201Thr (NM_001145036.2); short protein forms A201T.
Identifiers: ClinVar variation 2118573 (VCV002118573.4), dbSNP rs2527629901, ClinGen allele CA345202448.

ClinVar aggregate classification (germline): Uncertain significance (1 of 4 stars; one submission).

Conditions:
Congenital disorder of glycosylation, type IIq. Also called: CDG IIq. Identifiers: Orphanet 435934, MedGen C4479353, MONDO:0054559, OMIM 617395.

Submission:

Labcorp Genetics (formerly Invitae), Labcorp
Classification: Uncertain significance for Congenital disorder of glycosylation, type IIq. Last evaluated: 2022-05-27. Review status: criteria provided, single submitter. Criteria: Invitae Variant Classification Sherloc (09022015). Collection method: clinical testing. Allele origin: germline.
Comment: This sequence change replaces alanine, which is neutral and non-polar, with threonine, which is neutral and polar, at codon 201 of the COG2 protein (p.Ala201Thr). This variant is not present in population databases (gnomAD no frequency). This variant has not been reported in the literature in individuals affected with COG2-related conditions. Algorithms developed to predict the effect of missense changes on protein structure and function are either unavailable or do not agree on the potential impact of this missense change (SIFT: "Tolerated"; PolyPhen-2: "Possibly Damaging"; Align-GVGD: "Class C0"). Algorithms developed to predict the effect of sequence changes on RNA splicing suggest that this variant may disrupt the consensus splice site. In summary, the available evidence is currently insufficient to determine the role of this variant in disease. Therefore, it has been classified as a Variant of Uncertain Significance.